The following is an entry in ClinVar:

ClinVar aggregate classification (germline): Uncertain significance. Review status: criteria provided, multiple submitters, no conflicts (2 of 4 stars). 2 submissions from 2 submitters: Uncertain significance (2). Last evaluated 2021-07-26.

Conditions:
Inflammatory bowel disease. Identifiers: Orphanet 104012, MedGen C0021390, MONDO:0005265.

Allele frequency attached by ClinVar (database versions not stated): gnomAD exomes 0.00001 and 0.00003; ExAC 0.00002; gnomAD 0.00007 and 0.00008; TOPMed 0.00009.
gnomAD v4.1: 26 of 1,612,914 alleles (0.0016%); highest among the groups gnomAD compares: Admixed American, 0.022%; no homozygotes.

Submissions (2):

Labcorp Genetics (formerly Invitae), Labcorp
Classification: Uncertain significance for Inflammatory bowel disease. Last evaluated: 2021-07-26. Review status: criteria provided, single submitter. Criteria: Invitae Variant Classification Sherloc (09022015). Collection method: clinical testing. Allele origin: germline.
Comment: This sequence change falls in intron 2 of the IL10 gene. It does not directly change the encoded amino acid sequence of the IL10 protein. It affects a nucleotide within the consensus splice site of the intron. This variant is present in population databases (rs749041176, ExAC 0.005%). This variant has not been reported in the literature in individuals affected with IL10-related conditions. Nucleotide substitutions within the consensus splice site are a relatively common cause of aberrant splicing (PMID: 17576681, 9536098). Algorithms developed to predict the effect of sequence changes on RNA splicing suggest that this variant is not likely to affect RNA splicing. In summary, the available evidence is currently insufficient to determine the role of this variant in disease. Therefore, it has been classified as a Variant of Uncertain Significance.

Breakthrough Genomics
Classification: Uncertain significance. Review status: criteria provided, single submitter. Criteria: ACMG Guidelines, 2015. Collection method: not provided. Allele origin: germline. Inheritance: Unknown mechanism. Affected: yes.

Literature cited by the submitters: PubMed 17576681 (cited by Labcorp Genetics (formerly Invitae), Labcorp); PubMed 9536098 (cited by Labcorp Genetics (formerly Invitae), Labcorp).

NM_000572.3(IL10):c.225+6A>G

Genes: IL10 (interleukin 10; minus strand), IL19 (interleukin 19; plus strand). Cytogenetic location: 1q32.1.
Variant type: single nucleotide variant.
Coding change: c.225+6A>G on transcript NM_000572.3 (MANE Select); 6 bases into the intron after coding-DNA position 225, A replaced by G.
Molecular consequence: intron variant.
Genome position (GRCh38, 1-based): chr1:206,771,350, T>C on the plus strand (A>G on the coding strand, the complement: IL10 is on the minus strand). VCF-style: chr1-206771350-T-C. GRCh37 (hg19) VCF-style: chr1-206944695-T-C.
Other names: c.-149+272T>C (NM_153758.5); c.-149+520T>C (NM_001393490.1).
Identifiers: ClinVar variation 1480748 (VCV001480748.4), dbSNP rs749041176, ClinGen allele CA1363809.